The following is an entry in ClinVar:

NC_000017.10:g.(41249307_41251791)_(41251898_41256138)del

Gene: BRCA1 (BRCA1 DNA repair associated; minus strand). Cytogenetic location: 17q21.31.
Variant type: Deletion.
Identifiers: ClinVar variation 440437 (VCV000440437.1).

ClinVar aggregate classification (germline): Pathogenic (1 of 4 stars; one submission).

Conditions:
Breast-ovarian cancer, familial, susceptibility to, 1 (BROVCA1). Also called: BRCA1 Hereditary Breast and Ovarian Cancer; OVARIAN CANCER, SUSCEPTIBILITY TO. Identifiers: Orphanet 145, MedGen C2676676, MONDO:0011450, OMIM 604370. Disease mechanism: loss of function.

Submission:

Department of Medical Genetics, Oslo University Hospital
Classification: Pathogenic for Breast-ovarian cancer, familial, susceptibility to, 1. Last evaluated: 2015-07-01. Review status: criteria provided, single submitter. Criteria: ACMG Guidelines, 2015. Collection method: clinical testing. Allele origin: germline. Affected: yes. Observed: 3 variant alleles.
Comment: Heterozygous deletion of exon 7 (also known as exon 8)